The following is an entry in ClinVar:

ClinVar aggregate classification (germline): Uncertain significance (1 of 4 stars; one submission).

Allele frequency attached by ClinVar (database versions not stated): gnomAD exomes below 0.00001.
gnomAD v4.1: 2 of 1,614,010 alleles (0.00012%); highest among the groups gnomAD compares: Non-Finnish European, 0.000085%; no homozygotes.

Submission:

Ambry Genetics
Classification: Uncertain significance. Last evaluated: 2023-07-30. Review status: criteria provided, single submitter. Criteria: Ambry Variant Classification Scheme 2023. Collection method: clinical testing. Allele origin: germline.
Comment: Does not currently meet published gene-disease clinical validity criteria Based on insufficient or conflicting evidence, the clinical significance of this alteration remains unclear.

Literature cited by the submitters: PubMed 28106320.

NM_001025616.3(ARHGAP24):c.1649T>C (p.Ile550Thr)

Gene: ARHGAP24 (Rho GTPase activating protein 24; plus strand). Cytogenetic location: 4q21.23.
Variant type: single nucleotide variant.
Coding change: c.1649T>C on transcript NM_001025616.3 (MANE Select); coding-DNA position 1649, T replaced by C.
Protein change: p.Ile550Thr; replaces isoleucine 550 with threonine.
Molecular consequence: missense variant.
Genome position (GRCh38, 1-based): chr4:85,995,303, T>C. VCF-style: chr4-85995303-T-C. GRCh37 (hg19) VCF-style: chr4-86916456-T-C.
Other names: c.1364T>C, p.Ile455Thr (NM_001042669.2); c.1394T>C, p.Ile465Thr (NM_001287805.2); c.1070T>C, p.Ile357Thr (NM_001346093.2); c.1370T>C, p.Ile457Thr (NM_031305.3); short protein forms I455T, I550T, I357T, I465T, I457T.
Identifiers: ClinVar variation 2614784 (VCV002614784.2), dbSNP rs2546208944, ClinGen allele CA357576827.